The following is an entry in ClinVar:

ClinVar aggregate classification (germline): Uncertain significance (1 of 4 stars; one submission).

gnomAD v4.1: 3 of 1,611,538 alleles (0.00019%); highest among the groups gnomAD compares: Non-Finnish European, 0.00017%; no homozygotes.

Submission:

Labcorp Genetics (formerly Invitae), Labcorp
Classification: Uncertain significance. Last evaluated: 2024-08-28. Review status: criteria provided, single submitter. Criteria: Invitae Variant Classification Sherloc (09022015). Collection method: clinical testing. Allele origin: germline.
Comment: This sequence change falls in intron 37 of the COL4A4 gene. It does not directly change the encoded amino acid sequence of the COL4A4 protein. This variant is present in population databases (rs766546926, gnomAD 0.002%). This variant has not been reported in the literature in individuals affected with COL4A4-related conditions. Algorithms developed to predict the effect of sequence changes on RNA splicing suggest that this variant may disrupt the consensus splice site. In summary, the available evidence is currently insufficient to determine the role of this variant in disease. Therefore, it has been classified as a Variant of Uncertain Significance.

NM_000092.5(COL4A4):c.3506-12G>A

Gene: COL4A4 (collagen type IV alpha 4 chain; minus strand). Cytogenetic location: 2q36.3.
Variant type: single nucleotide variant.
Coding change: c.3506-12G>A on transcript NM_000092.5 (MANE Select); 12 bases into the intron before coding-DNA position 3506, G replaced by A.
Molecular consequence: intron variant.
Genome position (GRCh38, 1-based): chr2:227,033,493, C>T on the plus strand (G>A on the coding strand, the complement: COL4A4 is on the minus strand). VCF-style: chr2-227033493-C-T. GRCh37 (hg19) VCF-style: chr2-227898209-C-T.
Identifiers: ClinVar variation 3703109 (VCV003703109.2).